The following is an entry in ClinVar:

ClinVar aggregate classification (germline): Benign/Likely benign. Review status: criteria provided, multiple submitters, no conflicts (2 of 4 stars). 12 submissions from 11 submitters: Benign (7); Likely benign (2). 3 of the submissions do not count toward it. Last evaluated 2026-02-04.

Conditions:
Neuronopathy, distal hereditary motor, type 7B. Also called: NEURONOPATHY, DISTAL HEREDITARY MOTOR, AUTOSOMAL DOMINANT 14; NEURONOPATHY, DISTAL HEREDITARY MOTOR, HARDING TYPE VIIB; NEUROPATHY, DISTAL HEREDITARY MOTOR, HARDING TYPE VIIB; NEUROPATHY, DISTAL HEREDITARY MOTOR, WITH VOCAL CORD PARALYSIS, HARDING TYPE VIIB; Distal Hereditary Motor Neuronopathy Type 7B (dHMN7B); HMN VIIB. Identifiers: Orphanet 139589, MedGen C1843315, MONDO:0011879, OMIM 607641.
Perry syndrome. Also called: PARKINSONISM WITH ALVEOLAR HYPOVENTILATION AND MENTAL DEPRESSION. Identifiers: Orphanet 178509, MedGen C1868594, MONDO:0008201, OMIM 168605.
Amyotrophic lateral sclerosis type 1 (ALS1). Also called: AMYOTROPHIC LATERAL SCLEROSIS 1, FAMILIAL. Identifiers: Orphanet 803, MedGen C1862939, MONDO:0007103, OMIM 105400.

Allele frequency attached by ClinVar (database versions not stated): gnomAD exomes 0.00792 and 0.01010; ExAC 0.01110; 1000 Genomes Project 0.01637; 1000 Genomes Project 30x 0.01686; gnomAD 0.01784 and 0.01851; TOPMed 0.01946; ESP Exome Variant Server 0.01976.
gnomAD v4.1: 14,410 of 1,614,236 alleles (0.89%); highest among the groups gnomAD compares: African/African-American, 4.6%; 155 homozygotes.

Submissions (12):

Labcorp Genetics (formerly Invitae), Labcorp
Classification: Benign for Amyotrophic lateral sclerosis type 1; Neuronopathy, distal hereditary motor, type 7B; Perry syndrome. Last evaluated: 2026-02-04. Review status: criteria provided, single submitter. Criteria: Invitae Variant Classification Sherloc (09022015). Collection method: clinical testing. Allele origin: germline.

Athena Diagnostics
Classification: Benign. Last evaluated: 2025-08-21. Review status: criteria provided, single submitter. Criteria: Athena Diagnostics Criteria. Collection method: clinical testing. Allele origin: unknown.
Comment: The frequency of this variant in the general population is higher than would generally be expected for pathogenic variants in this gene. Computational tools yielded predictions that this variant is unlikely to have an effect on normal RNA splicing. This nucleotide position exhibits low evolutionary conservation.

ARUP Laboratories, Molecular Genetics and Genomics, ARUP Laboratories
Classification: Benign. Last evaluated: 2025-07-08. Review status: criteria provided, single submitter. Criteria: ARUP Molecular Germline Variant Investigation Process 2024. Collection method: clinical testing. Allele origin: germline.

GeneDx
Classification: Likely benign. Last evaluated: 2021-03-17. Review status: criteria provided, single submitter. Criteria: GeneDx Variant Classification Process June 2021. Collection method: clinical testing. Allele origin: germline. Affected: yes.

Illumina Laboratory Services, Illumina
Classification: Benign for Neuronopathy, distal hereditary motor, type 7B. Last evaluated: 2018-01-13. Review status: criteria provided, single submitter. Criteria: ICSL Variant Classification Criteria 13 December 2019. Collection method: clinical testing. Allele origin: germline.
Comment: This variant was observed in the ICSL laboratory as part of a predisposition screen in an ostensibly healthy population. It had not been previously curated by ICSL or reported in the Human Gene Mutation Database (HGMD: prior to June 1st, 2018), and was therefore a candidate for classification through an automated scoring system. Utilizing variant allele frequency, disease prevalence and penetrance estimates, and inheritance mode, an automated score was calculated to assess if this variant is too frequent to cause the disease. Based on the score and internal cut-off values, a variant classified as benign is not then subjected to further curation. The score for this variant resulted in a classification of benign for this disease.

Illumina Laboratory Services, Illumina
Classification: Benign for Perry syndrome. Last evaluated: 2018-01-13. Review status: criteria provided, single submitter. Criteria: ICSL Variant Classification Criteria 13 December 2019. Collection method: clinical testing. Allele origin: germline.
Comment: the same text as in the submission from Illumina Laboratory Services, Illumina above.

Mayo Clinic Laboratories, Mayo Clinic
Classification: Benign. Last evaluated: 2016-10-13. Review status: criteria provided, single submitter. Criteria: ACMG Guidelines, 2015. Collection method: clinical testing. Allele origin: germline. Observed: 48 variant alleles.

Breakthrough Genomics
Classification: Likely benign. Review status: criteria provided, single submitter. Criteria: ACMG Guidelines, 2015. Collection method: not provided. Allele origin: germline. Inheritance: Autosomal recessive inheritance. Affected: yes.

PreventionGenetics, part of Exact Sciences
Classification: Benign. Review status: criteria provided, single submitter. Criteria: ACMG Guidelines, 2015. Collection method: clinical testing. Allele origin: germline.

Clinical Genetics DNA and cytogenetics Diagnostics Lab, Erasmus MC, Erasmus Medical Center
Classification: Benign. Review status: no assertion criteria provided. Collection method: clinical testing. Allele origin: germline. Affected: yes. Study: VKGL Data-share Consensus. Not counted in ClinVar's aggregate classification.

Clinical Genetics, Academic Medical Center
Classification: Benign. Review status: no assertion criteria provided. Collection method: clinical testing. Allele origin: germline. Affected: yes. Study: VKGL Data-share Consensus. Not counted in ClinVar's aggregate classification.

Genome Diagnostics Laboratory, Amsterdam University Medical Center
Classification: Likely benign. Review status: no assertion criteria provided. Collection method: clinical testing. Allele origin: germline. Affected: yes. Study: VKGL Data-share Consensus. Not counted in ClinVar's aggregate classification.

Literature cited by the submitters: PubMed 32402491 (cited by Athena Diagnostics).

NM_004082.5(DCTN1):c.2448A>G (p.Ala816=)

Gene: DCTN1 (dynactin subunit 1; minus strand). Cytogenetic location: 2p13.1.
Variant type: single nucleotide variant.
Coding change: c.2448A>G on transcript NM_004082.5 (MANE Select); coding-DNA position 2448, A replaced by G.
Protein change: p.Ala816=; no amino-acid change (alanine 816 retained).
Molecular consequence: synonymous variant. On other transcripts: non-coding transcript variant (1).
Genome position (GRCh38, 1-based): chr2:74,366,801, T>C on the plus strand (A>G on the coding strand, the complement: DCTN1 is on the minus strand). VCF-style: chr2-74366801-T-C. GRCh37 (hg19) VCF-style: chr2-74593928-T-C.
Other names: p.Ala816=; c.2388A>G, p.Ala796= (NM_001135040.3); c.2046A>G, p.Ala682= (NM_001135041.3, NM_023019.4); c.2337A>G, p.Ala779= (NM_001190836.2); c.2427A>G, p.Ala809= (NM_001190837.2); c.2397A>G, p.Ala799= (NM_001378991.1); c.2379A>G, p.Ala793= (NM_001378992.1).
Identifiers: ClinVar variation 259235 (VCV000259235.35), dbSNP rs1130484, ClinGen allele CA1721842.